The following is an entry in ClinVar:

ClinVar aggregate classification (germline): Uncertain significance. Review status: criteria provided, multiple submitters, no conflicts (2 of 4 stars). 2 submissions from 2 submitters: Uncertain significance (2). Last evaluated 2025-07-13.

Conditions:
Saldino-Mainzer syndrome (SRTD9). Also called: Renal dysplasia, retinal pigmentary dystrophy, cerebellar ataxia and skeletal dysplasia; SHORT-RIB THORACIC DYSPLASIA 9 WITHOUT POLYDACTYLY; short-rib thoracic dysplasia 9 with or without polydactyly; CONORENAL SYNDROME. Identifiers: Orphanet 140969, MedGen C1849437, MONDO:0009964, OMIM 266920.

Allele frequency attached by ClinVar (database versions not stated): gnomAD exomes below 0.00001 and 0.00001.
gnomAD v4.1: 6 of 1,614,246 alleles (0.00037%); highest among the groups gnomAD compares: East Asian, 0.0067%; no homozygotes.

Submissions (2):

Labcorp Genetics (formerly Invitae), Labcorp
Classification: Uncertain significance for Saldino-Mainzer syndrome. Last evaluated: 2025-07-13. Review status: criteria provided, single submitter. Criteria: Invitae Variant Classification Sherloc (09022015). Collection method: clinical testing. Allele origin: germline.
Comment: This sequence change replaces serine, which is neutral and polar, with phenylalanine, which is neutral and non-polar, at codon 1256 of the IFT140 protein (p.Ser1256Phe). This variant is present in population databases (no rsID available, gnomAD 0.006%). This variant has not been reported in the literature in individuals affected with IFT140-related conditions. ClinVar contains an entry for this variant (Variation ID: 866196). Invitae Evidence Modeling of protein sequence and biophysical properties (such as structural, functional, and spatial information, amino acid conservation, physicochemical variation, residue mobility, and thermodynamic stability) has been performed for this missense variant. However, the output from this modeling did not meet the statistical confidence thresholds required to predict the impact of this variant on IFT140 protein function. In summary, the available evidence is currently insufficient to determine the role of this variant in disease. Therefore, it has been classified as a Variant of Uncertain Significance.

Blueprint Genetics
Classification: Uncertain significance. Last evaluated: 2023-06-09. Review status: criteria provided, single submitter. Criteria: ACMG Guidelines, 2015. Collection method: clinical testing. Allele origin: germline.

NM_014714.4(IFT140):c.3767C>T (p.Ser1256Phe)

Gene: IFT140 (intraflagellar transport 140; minus strand). Cytogenetic location: 16p13.3.
Variant type: single nucleotide variant.
Coding change: c.3767C>T on transcript NM_014714.4 (MANE Select); coding-DNA position 3767, C replaced by T.
Protein change: p.Ser1256Phe; replaces serine 1256 with phenylalanine.
Molecular consequence: missense variant.
Genome position (GRCh38, 1-based): chr16:1,520,237, G>A on the plus strand (C>T on the coding strand, the complement: IFT140 is on the minus strand). VCF-style: chr16-1520237-G-A. GRCh37 (hg19) VCF-style: chr16-1570238-G-A.
Other names: short protein forms S1256F.
Identifiers: ClinVar variation 866196 (VCV000866196.9), dbSNP rs1325819285, ClinGen allele CA394224443.